The following is an entry in ClinVar:

NM_000256.3(MYBPC3):c.1069C>T (p.Arg357Cys)

Gene: MYBPC3 (myosin binding protein C3; minus strand). Cytogenetic location: 11p11.2.
Variant type: single nucleotide variant.
Coding change: c.1069C>T on transcript NM_000256.3 (MANE Select); coding-DNA position 1069, C replaced by T.
Protein change: p.Arg357Cys; replaces arginine 357 with cysteine.
Molecular consequence: missense variant.
Genome position (GRCh38, 1-based): chr11:47,346,228, G>A on the plus strand (C>T on the coding strand, the complement: MYBPC3 is on the minus strand). VCF-style: chr11-47346228-G-A. GRCh37 (hg19) VCF-style: chr11-47367779-G-A.
Other names: short protein forms R357C.
Identifiers: ClinVar variation 3230864 (VCV003230864.1), dbSNP rs1476576625, ClinGen allele CA380331037.

ClinVar aggregate classification (germline): Uncertain significance (1 of 4 stars; one submission).

Conditions:
Cardiovascular phenotype. Identifiers: MedGen CN230736.

Allele frequency attached by ClinVar (database versions not stated): gnomAD exomes 0.00001.
gnomAD v4.1: 3 of 1,613,888 alleles (0.00019%); highest among the groups gnomAD compares: Admixed American, 0.0017%; no homozygotes.

Submission:

Ambry Genetics
Classification: Uncertain significance for Cardiovascular phenotype. Last evaluated: 2024-03-01. Review status: criteria provided, single submitter. Criteria: Ambry Variant Classification Scheme 2023. Collection method: clinical testing. Allele origin: germline.
Comment: The p.R357C variant (also known as c.1069C>T), located in coding exon 12 of the MYBPC3 gene, results from a C to T substitution at nucleotide position 1069. The arginine at codon 357 is replaced by cysteine, an amino acid with highly dissimilar properties. This alteration has been reported in association with hypertrophic cardiomyopathy (HCM) (Ho CY et al. Circulation, 2018 Oct;138:1387-1398). This amino acid position is poorly conserved in available vertebrate species. In addition, this alteration is predicted to be tolerated by in silico analysis. Based on the available evidence, the clinical significance of this alteration remains unclear.

Literature cited by the submitters: PubMed 30297972.